The following is an entry in ClinVar:

ClinVar aggregate classification (germline): Uncertain significance. Review status: criteria provided, single submitter (1 of 4 stars). 2 submissions from 2 submitters: Uncertain significance (1). 1 of the submissions does not count toward it. Last evaluated 2018-01-13.

Conditions:
SPATA16-related disorder. Also called: SPATA16-related condition.
Spermatogenic failure 6 (SPGF6). Also called: ROUND-HEADED SPERMATOZOA; ACROSOME MALFORMATION OF SPERMATOZOA. Identifiers: Orphanet 171709, MedGen C4225503, MONDO:0007060, OMIM 102530.

Allele frequency attached by ClinVar (database versions not stated): gnomAD 0.00042 and 0.00046; gnomAD exomes 0.00042 and 0.00090; TOPMed 0.00049; ESP Exome Variant Server 0.00054; ExAC 0.00064.

Submissions (2):

Illumina Laboratory Services, Illumina
Classification: Uncertain significance for Spermatogenic failure 6. Last evaluated: 2018-01-13. Review status: criteria provided, single submitter. Criteria: ICSL Variant Classification Criteria 13 December 2019. Collection method: clinical testing. Allele origin: germline.

PreventionGenetics, part of Exact Sciences
Classification: Likely benign for SPATA16-related condition. Last evaluated: 2019-06-19. Review status: no assertion criteria provided. Collection method: clinical testing. Allele origin: germline. Not counted in ClinVar's aggregate classification.
Comment: This variant is classified as likely benign based on ACMG/AMP sequence variant interpretation guidelines (Richards et al. 2015 PMID: 25741868, with internal and published modifications).

NM_031955.6(SPATA16):c.328A>C (p.Met110Leu)

Gene: SPATA16 (spermatogenesis associated 16; minus strand). Cytogenetic location: 3q26.31.
Variant type: single nucleotide variant.
Coding change: c.328A>C on transcript NM_031955.6 (MANE Select); coding-DNA position 328, A replaced by C.
Protein change: p.Met110Leu; replaces methionine 110 with leucine.
Molecular consequence: missense variant.
Genome position (GRCh38, 1-based): chr3:173,117,404, T>G on the plus strand (A>C on the coding strand, the complement: SPATA16 is on the minus strand). VCF-style: chr3-173117404-T-G. GRCh37 (hg19) VCF-style: chr3-172835194-T-G.
Other names: short protein forms M110L.
Identifiers: ClinVar variation 344222 (VCV000344222.7), dbSNP rs147011314, ClinGen allele CA2708369.